The following is an entry in ClinVar:

NM_001035.3(RYR2):c.9446A>G (p.Glu3149Gly)

Gene: RYR2 (ryanodine receptor 2; plus strand). Cytogenetic location: 1q43.
Variant type: single nucleotide variant.
Coding change: c.9446A>G on transcript NM_001035.3 (MANE Select); coding-DNA position 9446, A replaced by G.
Protein change: p.Glu3149Gly; replaces glutamic acid 3149 with glycine.
Molecular consequence: missense variant.
Genome position (GRCh38, 1-based): chr1:237,702,056, A>G. VCF-style: chr1-237702056-A-G. GRCh37 (hg19) VCF-style: chr1-237865356-A-G.
Other names: short protein forms E3149G.
Identifiers: ClinVar variation 4086351 (VCV004086351.2).

ClinVar aggregate classification (germline): Uncertain significance. Review status: criteria provided, multiple submitters, no conflicts (2 of 4 stars). 2 submissions from 2 submitters: Uncertain significance (2). Last evaluated 2025-11-16.

Conditions:
Catecholaminergic polymorphic ventricular tachycardia 1. Also called: VENTRICULAR TACHYCARDIA, STRESS-INDUCED POLYMORPHIC 1; VENTRICULAR TACHYCARDIA, CATECHOLAMINERGIC POLYMORPHIC, 1, WITH OR WITHOUT ATRIAL DYSFUNCTION AND/OR DILATED CARDIOMYOPATHY; RYR2-Related Catecholaminergic Polymorphic Ventricular Tachycardia. Identifiers: Orphanet 3286, MedGen C1631597, MONDO:0011484, OMIM 604772.

Submissions (2):

Labcorp Genetics (formerly Invitae), Labcorp
Classification: Uncertain significance for Catecholaminergic polymorphic ventricular tachycardia 1. Last evaluated: 2025-11-16. Review status: criteria provided, single submitter. Criteria: Invitae Variant Classification Sherloc (09022015). Collection method: clinical testing. Allele origin: germline.
Comment: This sequence change replaces glutamic acid, which is acidic and polar, with glycine, which is neutral and non-polar, at codon 3149 of the RYR2 protein (p.Glu3149Gly). This variant is not present in population databases (gnomAD no frequency). This variant has not been reported in the literature in individuals affected with RYR2-related conditions. ClinVar contains an entry for this variant (Variation ID: 4086351). Invitae Evidence Modeling of protein sequence and biophysical properties (such as structural, functional, and spatial information, amino acid conservation, physicochemical variation, residue mobility, and thermodynamic stability) indicates that this missense variant is expected to disrupt RYR2 protein function with a positive predictive value of 95%. Algorithms developed to predict the effect of sequence changes on RNA splicing suggest that this variant may disrupt the consensus splice site. In summary, the available evidence is currently insufficient to determine the role of this variant in disease. Therefore, it has been classified as a Variant of Uncertain Significance.

GeneDx
Classification: Uncertain significance. Last evaluated: 2025-03-19. Review status: criteria provided, single submitter. Criteria: GeneDx Variant Classification Process June 2021. Collection method: clinical testing. Allele origin: germline. Affected: yes.
Comment: Has not been previously published as pathogenic or benign to our knowledge; Not observed at significant frequency in large population cohorts (gnomAD); In silico analysis is inconclusive as to whether the variant alters gene splicing. In the absence of RNA/functional studies, the actual effect of this sequence change is unknown.; In silico analysis supports that this missense variant has a deleterious effect on protein structure/function; Not located in one of the three hot-spot regions of the RYR2 gene, where the majority of pathogenic missense variants occur (PMID: 19926015); This variant is associated with the following publications: (PMID: 19926015)